The following is an entry in ClinVar:

NM_015311.3(OBSL1):c.2238G>A (p.Pro746=)

Gene: OBSL1 (obscurin like cytoskeletal adaptor 1; minus strand). Cytogenetic location: 2q35.
Variant type: single nucleotide variant.
Coding change: c.2238G>A on transcript NM_015311.3 (MANE Select); coding-DNA position 2238, G replaced by A.
Protein change: p.Pro746=; no amino-acid change (proline 746 retained).
Molecular consequence: synonymous variant.
Genome position (GRCh38, 1-based): chr2:219,565,411, C>T on the plus strand (G>A on the coding strand, the complement: OBSL1 is on the minus strand). VCF-style: chr2-219565411-C-T. GRCh37 (hg19) VCF-style: chr2-220430133-C-T.
Other names: c.2238G>A, p.Pro746= (NM_001173408.2, NM_001173431.2).
Identifiers: ClinVar variation 198218 (VCV000198218.51), dbSNP rs142650279, ClinGen allele CA203319.

ClinVar aggregate classification (germline): Benign/Likely benign. Review status: criteria provided, multiple submitters, no conflicts (2 of 4 stars). 7 submissions from 7 submitters: Benign (2); Likely benign (4). 1 of the submissions does not count toward it. Last evaluated 2026-03-01.

Conditions:
OBSL1-related disorder. Also called: OBSL1-related condition.
3M syndrome 2. Also called: 3-M Syndrome, OBSL1-Related; THREE M SYNDROME 2. Identifiers: Orphanet 2616, MedGen C2752041, MONDO:0013039, OMIM 612921.

Allele frequency attached by ClinVar (database versions not stated): 1000 Genomes Project 0.00160; 1000 Genomes Project 30x 0.00187; gnomAD 0.00255; ExAC 0.00319; gnomAD exomes 0.00327 and 0.00389; TOPMed 0.00363; ESP Exome Variant Server 0.00448.

Submissions (7):

CeGaT Center for Human Genetics Tuebingen
Classification: Likely benign. Last evaluated: 2026-03-01. Review status: criteria provided, single submitter. Criteria: CeGaT Center For Human Genetics Tuebingen Variant Classification Criteria Version 2. Collection method: clinical testing. Allele origin: germline. Affected: yes. Observed: 3 variant alleles.
Comment: OBSL1: BP4, BP7

Labcorp Genetics (formerly Invitae), Labcorp
Classification: Benign. Last evaluated: 2026-02-02. Review status: criteria provided, single submitter. Criteria: Invitae Variant Classification Sherloc (09022015). Collection method: clinical testing. Allele origin: germline.

Blueprint Genetics
Classification: Likely benign. Last evaluated: 2024-11-26. Review status: criteria provided, single submitter. Criteria: ACMG Guidelines, 2015. Collection method: clinical testing. Allele origin: germline.

Illumina Laboratory Services, Illumina
Classification: Likely benign for 3M syndrome 2. Last evaluated: 2018-01-13. Review status: criteria provided, single submitter. Criteria: ICSL Variant Classification Criteria 13 December 2019. Collection method: clinical testing. Allele origin: germline.
Comment: This variant was observed in the ICSL laboratory as part of a predisposition screen in an ostensibly healthy population. It had not been previously curated by ICSL or reported in the Human Gene Mutation Database (HGMD: prior to June 1st, 2018), and was therefore a candidate for classification through an automated scoring system. Utilizing variant allele frequency, disease prevalence and penetrance estimates, and inheritance mode, an automated score was calculated to assess if this variant is too frequent to cause the disease. Based on the score and internal cut-off values, a variant classified as likely benign is not then subjected to further curation. The score for this variant resulted in a classification of likely benign for this disease.

Eurofins Ntd Llc (ga)
Classification: Benign. Last evaluated: 2015-03-09. Review status: criteria provided, single submitter. Criteria: EGL Classification Definitions 2015. Collection method: clinical testing. Allele origin: germline. Observed: 1 variant allele, 1 heterozygote.

Breakthrough Genomics
Classification: Likely benign. Review status: criteria provided, single submitter. Criteria: ACMG Guidelines, 2015. Collection method: not provided. Allele origin: germline. Inheritance: Autosomal recessive inheritance. Affected: yes.

PreventionGenetics, part of Exact Sciences
Classification: Likely benign for OBSL1-related condition. Last evaluated: 2019-05-02. Review status: no assertion criteria provided. Collection method: clinical testing. Allele origin: germline. Not counted in ClinVar's aggregate classification.
Comment: This variant is classified as likely benign based on ACMG/AMP sequence variant interpretation guidelines (Richards et al. 2015 PMID: 25741868, with internal and published modifications).